The following is an entry in ClinVar:

ClinVar aggregate classification (germline): Uncertain significance. Review status: criteria provided, multiple submitters, no conflicts (2 of 4 stars). 5 submissions from 5 submitters: Uncertain significance (5). Last evaluated 2025-07-28.

Conditions:
Hereditary cancer-predisposing syndrome. Also called: Neoplastic Syndromes, Hereditary; Tumor predisposition; Hereditary Cancer Syndrome; Hereditary neoplastic syndrome. Identifiers: Orphanet 140162, MedGen C0027672, MeSH D009386, MONDO:0015356.
Nijmegen breakage syndrome-like disorder (NBSLD). Also called: MICROCEPHALY AND SPONTANEOUS CHROMOSOME INSTABILITY WITHOUT IMMUNODEFICIENCY; NBS-LIKE DISORDER; RAD50 DEFICIENCY. Identifiers: Orphanet 240760, MedGen C2751318, MONDO:0013118, OMIM 613078.
Familial cancer of breast. Also called: hereditary breast carcinoma; Hereditary breast cancer; BREAST CANCER, FAMILIAL. Identifiers: Orphanet 227535, MedGen C0346153, MONDO:0016419, OMIM 114480. Disease mechanism: loss of function.

Allele frequency attached by ClinVar (database versions not stated): TOPMed below 0.00001; gnomAD exomes 0.00002 and 0.00004; ExAC 0.00004.

Submissions (5):

Ambry Genetics
Classification: Uncertain significance for Hereditary cancer-predisposing syndrome. Last evaluated: 2025-07-28. Review status: criteria provided, single submitter. Criteria: Ambry Variant Classification Scheme 2023. Collection method: clinical testing. Allele origin: germline.
Comment: The p.M1140I variant (also known as c.3420G>A), located in coding exon 22 of the RAD50 gene, results from a G to A substitution at nucleotide position 3420. The methionine at codon 1140 is replaced by isoleucine, an amino acid with highly similar properties. This amino acid position is highly conserved in available vertebrate species. In addition, this alteration is predicted to be deleterious by in silico analysis. Since supporting evidence is limited at this time, the clinical significance of this alteration remains unclear.

Women's Health and Genetics/Laboratory Corporation of America, LabCorp
Classification: Uncertain significance. Last evaluated: 2024-01-08. Review status: criteria provided, single submitter. Criteria: LabCorp Variant Classification Summary - May 2015. Collection method: clinical testing. Allele origin: germline.

Fulgent Genetics
Classification: Uncertain significance for Nijmegen breakage syndrome-like disorder. Last evaluated: 2024-01-02. Review status: criteria provided, single submitter. Criteria: ACMG Guidelines, 2015. Collection method: clinical testing. Allele origin: germline.

Labcorp Genetics (formerly Invitae), Labcorp
Classification: Uncertain significance for Hereditary cancer-predisposing syndrome. Last evaluated: 2023-12-02. Review status: criteria provided, single submitter. Criteria: Invitae Variant Classification Sherloc (09022015). Collection method: clinical testing. Allele origin: germline.
Comment: This sequence change replaces methionine, which is neutral and non-polar, with isoleucine, which is neutral and non-polar, at codon 1140 of the RAD50 protein (p.Met1140Ile). This variant is present in population databases (rs748377319, gnomAD 0.03%). This variant has not been reported in the literature in individuals affected with RAD50-related conditions. ClinVar contains an entry for this variant (Variation ID: 457449). Advanced modeling of protein sequence and biophysical properties (such as structural, functional, and spatial information, amino acid conservation, physicochemical variation, residue mobility, and thermodynamic stability) performed at Invitae indicates that this missense variant is expected to disrupt RAD50 protein function with a positive predictive value of 80%. In summary, the available evidence is currently insufficient to determine the role of this variant in disease. Therefore, it has been classified as a Variant of Uncertain Significance.

KCCC/NGS Laboratory, Kuwait Cancer Control Center
Classification: Uncertain significance for Familial cancer of breast. Last evaluated: 2023-07-18. Review status: criteria provided, single submitter. Criteria: ACMG Guidelines, 2015. Collection method: clinical testing. Allele origin: unknown. Inheritance: Autosomal dominant inheritance. Affected: yes. Observed: 1 heterozygote.
Comment: This sequence change replaces Methionine with isoleucine at codon 1140 of the RAD50 protein (p.Met1140Ile). This amino acid position is highly conserved (PhyloP=9.48) .This variant is present in population databases (rs748377319, gnomAD 0.03%). ClinVar contains an entry for this variant (Variation ID: 457449) by two diagnostic lab both classify this variant as uncertain significance . Functional study not available for this variant .In-silico predictions show pathogenic computational verdict (SIFT: "Deleterious"; PolyPhen-2: "Probably Damaging") In summary, the available evidence is currently insufficient to determine the role of this variant in disease. Therefore, it has been classified as a Variant of Uncertain Significance.

NM_005732.4(RAD50):c.3420G>A (p.Met1140Ile)

Genes: TH2-LCR (Th2 cytokine locus control region; plus strand), RAD50 (RAD50 double strand break repair protein; plus strand), TH2LCRR (T helper type 2 locus control region associated RNA; minus strand). Cytogenetic location: 5q31.1.
Variant type: single nucleotide variant.
Coding change: c.3420G>A on transcript NM_005732.4 (MANE Select); coding-DNA position 3420, G replaced by A.
Protein change: p.Met1140Ile; replaces methionine 1140 with isoleucine.
Molecular consequence: missense variant.
Genome position (GRCh38, 1-based): chr5:132,637,145, G>A. VCF-style: chr5-132637145-G-A. GRCh37 (hg19) VCF-style: chr5-131972837-G-A.
Other names: short protein forms M1140I.
Identifiers: ClinVar variation 457449 (VCV000457449.19), dbSNP rs748377319, ClinGen allele CA3405572.